The following is an entry in ClinVar:

NM_018706.7(DHTKD1):c.2497A>G (p.Ile833Val)

Gene: DHTKD1 (dehydrogenase E1 and transketolase domain containing 1; plus strand). Cytogenetic location: 10p14.
Variant type: single nucleotide variant.
Coding change: c.2497A>G on transcript NM_018706.7 (MANE Select); coding-DNA position 2497, A replaced by G.
Protein change: p.Ile833Val; replaces isoleucine 833 with valine.
Molecular consequence: missense variant.
Genome position (GRCh38, 1-based): chr10:12,118,843, A>G. VCF-style: chr10-12118843-A-G. GRCh37 (hg19) VCF-style: chr10-12160842-A-G.
Other names: short protein forms I833V.
Identifiers: ClinVar variation 1366719 (VCV001366719.8), dbSNP rs972227565, ClinGen allele CA202566347.

ClinVar aggregate classification (germline): Uncertain significance (1 of 4 stars; one submission).

Conditions:
2-aminoadipic 2-oxoadipic aciduria (AAKAD). Also called: Aminoadipic aciduria; ALPHA-AMINOADIPIC AND ALPHA-KETOADIPIC ACIDURIA. Identifiers: Orphanet 79154, MedGen C1859817, MONDO:0008774, OMIM 204750.

Allele frequency attached by ClinVar (database versions not stated): TOPMed below 0.00001.

Submission:

Labcorp Genetics (formerly Invitae), Labcorp
Classification: Uncertain significance for 2-aminoadipic 2-oxoadipic aciduria. Last evaluated: 2024-12-23. Review status: criteria provided, single submitter. Criteria: Invitae Variant Classification Sherloc (09022015). Collection method: clinical testing. Allele origin: germline.
Comment: This sequence change replaces isoleucine, which is neutral and non-polar, with valine, which is neutral and non-polar, at codon 833 of the DHTKD1 protein (p.Ile833Val). This variant is not present in population databases (gnomAD no frequency). This variant has not been reported in the literature in individuals affected with DHTKD1-related conditions. ClinVar contains an entry for this variant (Variation ID: 1366719). Invitae Evidence Modeling of protein sequence and biophysical properties (such as structural, functional, and spatial information, amino acid conservation, physicochemical variation, residue mobility, and thermodynamic stability) indicates that this missense variant is not expected to disrupt DHTKD1 protein function with a negative predictive value of 80%. In summary, the available evidence is currently insufficient to determine the role of this variant in disease. Therefore, it has been classified as a Variant of Uncertain Significance.